The following is an entry in ClinVar:

NM_000038.6(APC):c.819T>A (p.Thr273=)

Gene: APC (APC regulator of Wnt signaling pathway; plus strand). Cytogenetic location: 5q22.2.
Variant type: single nucleotide variant.
Coding change: c.819T>A on transcript NM_000038.6 (MANE Select); coding-DNA position 819, T replaced by A.
Protein change: p.Thr273=; no amino-acid change (threonine 273 retained).
Molecular consequence: synonymous variant. On other transcripts: 5 prime UTR variant (4), non-coding transcript variant (2).
Genome position (GRCh38, 1-based): chr5:112,801,368, T>A. VCF-style: chr5-112801368-T-A. GRCh37 (hg19) VCF-style: chr5-112137065-T-A.
Other names: c.819T>A, p.Thr273= (NM_001127510.3, NM_001354895.2, NM_001354896.2 and 12 more transcripts); c.765T>A, p.Thr255= (NM_001127511.3); c.849T>A, p.Thr283= (NM_001354897.2, NM_001354902.2, NM_001407446.1); c.744T>A, p.Thr248= (NM_001354898.2, NM_001354904.2, NM_001407451.1); c.735T>A, p.Thr245= (NM_001354899.2, NM_001407452.1, NM_001407467.1 and 1 more transcripts); c.642T>A, p.Thr214= (NM_001354900.2, NM_001354901.2, NM_001354905.2 and 1 more transcripts); c.-217T>A (NM_001354906.2, NM_001407470.1, NM_001407471.1 and 1 more transcripts).
Identifiers: ClinVar variation 3148242 (VCV003148242.1), dbSNP rs2149712412, ClinGen allele CA445755648.

ClinVar aggregate classification (germline): Benign (1 of 4 stars; one submission).

Conditions:
Familial adenomatous polyposis 1 (FAP1). Also called: POLYPOSIS, ADENOMATOUS INTESTINAL; FAMILIAL ADENOMATOUS POLYPOSIS 1, ATTENUATED. Identifiers: MedGen C2713442, MONDO:0021056, OMIM 175100. Disease mechanism: loss of function.

Submission:

Myriad Genetics, Inc.
Classification: Benign for Familial adenomatous polyposis 1. Last evaluated: 2024-02-27. Review status: criteria provided, single submitter. Criteria: Myriad Autosomal Dominant, Autosomal Recessive and X-Linked Classification Criteria (2023). Collection method: clinical testing. Allele origin: unknown.
Comment: This variant is considered benign. This variant is a silent/synonymous amino acid change and it is not expected to impact splicing.